The following is an entry in ClinVar:

ClinVar aggregate classification (germline): Benign/Likely benign. Review status: criteria provided, multiple submitters, no conflicts (2 of 4 stars). 22 submissions from 22 submitters: Benign (12); Likely benign (5). 5 of the submissions do not count toward it. Last evaluated 2026-08-01.

Conditions:
Hereditary cancer-predisposing syndrome. Also called: Hereditary Cancer Syndrome; Tumor predisposition; Hereditary neoplastic syndrome; Neoplastic Syndromes, Hereditary. Identifiers: Orphanet 140162, MedGen C0027672, MeSH D009386, MONDO:0015356.
Hereditary pheochromocytoma and paraganglioma. Also called: Hereditary pheochromocytoma-paraganglioma; Hereditary Paraganglioma-Pheochromocytoma Syndromes; Hereditary paragangliomas and pheochromocytomas. Identifiers: Orphanet 29072, MedGen C4274332, MONDO:0017366.
Pheochromocytoma. Also called: MAX-Related Hereditary Paraganglioma-Pheochromocytoma Syndrome. Identifiers: Orphanet 29072, MedGen C0031511, MONDO:0008233, OMIM 171300, HP:0002666.

Allele frequency attached by ClinVar (database versions not stated): 1000 Genomes Project 0.00220; ESP Exome Variant Server 0.00469; ExAC 0.00518; gnomAD 0.00487 and 0.00463; 1000 Genomes Project 30x 0.00203; TOPMed 0.00406; gnomAD exomes 0.00494 and 0.00600.
gnomAD v4.1: 9,404 of 1,613,922 alleles (0.58%); highest among the groups gnomAD compares: Non-Finnish European, 0.68%; 36 homozygotes.

Submissions (22):

CeGaT Center for Human Genetics Tuebingen
Classification: Benign. Last evaluated: 2026-08-01. Review status: criteria provided, single submitter. Criteria: CeGaT Center For Human Genetics Tuebingen Variant Classification Criteria Version 2. Collection method: clinical testing. Allele origin: germline. Affected: yes. Observed: 61 variant alleles.
Comment: TMEM127: BP4, BS1, BS2

Myriad Genetics, Inc.
Classification: Benign for Hereditary pheochromocytoma and paraganglioma. Last evaluated: 2026-07-30. Review status: criteria provided, single submitter. Criteria: Myriad Autosomal Dominant, Autosomal Recessive and X-Linked Classification Criteria (2023). Collection method: clinical testing. Allele origin: unknown.
Comment: This variant is considered benign. This variant is intronic and is not expected to impact mRNA splicing. This variant has been observed at a population frequency that is significantly greater than expected given the associated disease prevalence and penetrance.

Labcorp Genetics (formerly Invitae), Labcorp
Classification: Benign for Hereditary pheochromocytoma and paraganglioma. Last evaluated: 2026-02-04. Review status: criteria provided, single submitter. Criteria: Invitae Variant Classification Sherloc (09022015). Collection method: clinical testing. Allele origin: germline.

ARUP Laboratories, Molecular Genetics and Genomics, ARUP Laboratories
Classification: Benign for Pheochromocytoma. Last evaluated: 2025-05-07. Review status: criteria provided, single submitter. Criteria: ARUP Molecular Germline Variant Investigation Process 2024. Collection method: clinical testing. Allele origin: germline.

Quest Diagnostics Nichols Institute San Juan Capistrano
Classification: Benign. Last evaluated: 2025-04-08. Review status: criteria provided, single submitter. Criteria: Quest Diagnostics criteria. Collection method: clinical testing. Allele origin: unknown.

Mayo Clinic Laboratories, Mayo Clinic
Classification: Likely benign. Last evaluated: 2025-04-01. Review status: criteria provided, single submitter. Criteria: ACMG Guidelines, 2015. Collection method: clinical testing. Allele origin: germline. Observed: 7 variant alleles.
Comment: BS1, BP4, BP7

Blueprint Genetics
Classification: Likely benign. Last evaluated: 2024-11-21. Review status: criteria provided, single submitter. Criteria: ACMG Guidelines, 2015. Collection method: clinical testing. Allele origin: germline.

KCCC/NGS Laboratory, Kuwait Cancer Control Center
Classification: Benign for Pheochromocytoma. Last evaluated: 2023-07-07. Review status: criteria provided, single submitter. Criteria: ACMG Guidelines, 2015. Collection method: clinical testing. Allele origin: germline. Affected: yes.

Department of Pathology and Laboratory Medicine, Sinai Health System
Classification: Benign for hereditary pheochromocytoma-paraganglioma. Last evaluated: 2023-06-20. Review status: criteria provided, single submitter. Criteria: ACMG Guidelines, 2015. Collection method: clinical testing. Allele origin: germline. Affected: yes.

Sema4
Classification: Benign for Hereditary cancer-predisposing syndrome. Last evaluated: 2020-09-15. Review status: criteria provided, single submitter. Criteria: Sema4 Curation Guidelines. Collection method: curation. Allele origin: germline.

Women's Health and Genetics/Laboratory Corporation of America, LabCorp
Classification: Benign. Last evaluated: 2020-07-22. Review status: criteria provided, single submitter. Criteria: LabCorp Variant Classification Summary - May 2015. Collection method: clinical testing. Allele origin: germline.
Comment: Variant summary: TMEM127 c.409+7C>T alters a non-conserved nucleotide located close to a canonical splice site and therefore could affect mRNA splicing, leading to a significantly altered protein sequence. 4/4 computational tools predict no significant impact on normal splicing. However, these predictions have yet to be confirmed by functional studies. The variant allele was found at a frequency of 0.0049 in 251378 control chromosomes in the gnomAD database, including 3 homozygotes. The observed variant frequency is significantly higher than the estimated maximal expected allele frequency for a pathogenic variant in TMEM127 causing Hereditary Paraganglioma-Pheochromocytoma Syndrome phenotype (3.1e-07), strongly suggesting that the variant is benign. c.409+7C>T has been reported in the literature in sequencing studies of individuals affected with Paraganglioma and/or Pheochromocytoma (example Abermil_2012). These report(s) do not provide unequivocal conclusions about association of the variant with Hereditary Paraganglioma-Pheochromocytoma Syndrome. To our knowledge, no experimental evidence demonstrating an impact on protein function has been reported. Four clinical diagnostic laboratories have submitted clinical-significance assessments for this variant to ClinVar after 2014 without evidence for independent evaluation. All laboratories classified the variant as benign (n=3)/likely benign. Based on the evidence outlined above, the variant was classified as benign.

Illumina Laboratory Services, Illumina
Classification: Benign for Pheochromocytoma. Last evaluated: 2018-01-13. Review status: criteria provided, single submitter. Criteria: ICSL Variant Classification Criteria 13 December 2019. Collection method: clinical testing. Allele origin: germline.
Comment: This variant was observed in the ICSL laboratory as part of a predisposition screen in an ostensibly healthy population. It had not been previously curated by ICSL or reported in the Human Gene Mutation Database (HGMD: prior to June 1st, 2018), and was therefore a candidate for classification through an automated scoring system. Utilizing variant allele frequency, disease prevalence and penetrance estimates, and inheritance mode, an automated score was calculated to assess if this variant is too frequent to cause the disease. Based on the score and internal cut-off values, a variant classified as benign is not then subjected to further curation. The score for this variant resulted in a classification of benign for this disease.

Genetic Services Laboratory, University of Chicago
Classification: Benign. Last evaluated: 2017-08-22. Review status: criteria provided, single submitter. Criteria: ACMG Guidelines, 2015. Collection method: clinical testing. Allele origin: germline. Affected: no.

GeneDx
Classification: Likely benign. Last evaluated: 2017-06-27. Review status: criteria provided, single submitter. Criteria: GeneDx Variant Classification (06012015). Collection method: clinical testing. Allele origin: germline. Affected: yes.
Comment: This variant is considered likely benign or benign based on one or more of the following criteria: it is a conservative change, it occurs at a poorly conserved position in the protein, it is predicted to be benign by multiple in silico algorithms, and/or has population frequency not consistent with disease.

Ambry Genetics
Classification: Likely benign for Hereditary cancer-predisposing syndrome. Last evaluated: 2015-02-26. Review status: criteria provided, single submitter. Criteria: Ambry Variant Classification Scheme 2023. Collection method: clinical testing. Allele origin: germline.

Breakthrough Genomics
Classification: Likely benign. Review status: criteria provided, single submitter. Criteria: ACMG Guidelines, 2015. Collection method: not provided. Allele origin: germline. Inheritance: Autosomal dominant inheritance. Affected: yes.

PreventionGenetics, part of Exact Sciences
Classification: Benign. Review status: criteria provided, single submitter. Criteria: ACMG Guidelines, 2015. Collection method: clinical testing. Allele origin: germline.

Clinical Genetics DNA and cytogenetics Diagnostics Lab, Erasmus MC, Erasmus Medical Center
Classification: Likely benign. Review status: no assertion criteria provided. Collection method: clinical testing. Allele origin: germline. Affected: yes. Study: VKGL Data-share Consensus. Not counted in ClinVar's aggregate classification.

Diagnostic Laboratory, Department of Genetics, University Medical Center Groningen
Classification: Likely benign for Pheochromocytoma. Review status: no assertion criteria provided. Collection method: clinical testing. Allele origin: germline. Affected: yes. Study: VKGL Data-share Consensus. Not counted in ClinVar's aggregate classification.

Genome Diagnostics Laboratory, Amsterdam University Medical Center
Classification: Benign. Review status: no assertion criteria provided. Collection method: clinical testing. Allele origin: germline. Affected: yes. Study: VKGL Data-share Consensus. Not counted in ClinVar's aggregate classification.

Joint Genome Diagnostic Labs from Nijmegen and Maastricht, Radboudumc and MUMC+
Classification: Benign. Review status: no assertion criteria provided. Collection method: clinical testing. Allele origin: germline. Affected: yes. Study: VKGL Data-share Consensus. Not counted in ClinVar's aggregate classification.

Laboratory of Diagnostic Genome Analysis, Leiden University Medical Center (LUMC)
Classification: Likely benign. Review status: no assertion criteria provided. Collection method: clinical testing. Allele origin: germline. Affected: yes. Study: VKGL Data-share Consensus. Not counted in ClinVar's aggregate classification.

Literature cited by the submitters: PubMed 22419703 (cited by Quest Diagnostics Nichols Institute San Juan Capistrano and Women's Health and Genetics/Laboratory Corporation of America, LabCorp); PubMed 32877928 (cited by Quest Diagnostics Nichols Institute San Juan Capistrano).

NM_017849.4(TMEM127):c.409+7C>T

Gene: TMEM127 (transmembrane protein 127; minus strand). Cytogenetic location: 2q11.2.
Variant type: single nucleotide variant.
Coding change: c.409+7C>T on transcript NM_017849.4 (MANE Select); 7 bases into the intron after coding-DNA position 409, C replaced by T.
Molecular consequence: intron variant.
Genome position (GRCh38, 1-based): chr2:96,254,826, G>A on the plus strand (C>T on the coding strand, the complement: TMEM127 is on the minus strand). VCF-style: chr2-96254826-G-A. GRCh37 (hg19) VCF-style: chr2-96920564-G-A.
Other names: p.?; c.409+7C>T (NM_001193304.2, NM_001193304.3).
Identifiers: ClinVar variation 241223 (VCV000241223.69), dbSNP rs189327749, ClinGen allele CA1777324.